The following is an entry in ClinVar:

ClinVar aggregate classification (germline): Uncertain significance. Review status: criteria provided, multiple submitters, no conflicts (2 of 4 stars). 2 submissions from 2 submitters: Uncertain significance (2). Last evaluated 2025-02-09.

Conditions:
Hereditary cancer-predisposing syndrome. Also called: Tumor predisposition; Neoplastic Syndromes, Hereditary; Hereditary Cancer Syndrome; Hereditary neoplastic syndrome. Identifiers: Orphanet 140162, MedGen C0027672, MeSH D009386, MONDO:0015356.
Multiple endocrine neoplasia, type 2 (MEN2). Identifiers: Orphanet 653, MedGen C4048306, MONDO:0019003. Disease mechanism: gain of function.

Allele frequency attached by ClinVar (database versions not stated): gnomAD exomes 0.00001.
gnomAD v4.1: 14 of 1,582,090 alleles (0.00088%); highest among the groups gnomAD compares: Non-Finnish European, 0.001%; no homozygotes.

Submissions (2):

Ambry Genetics
Classification: Uncertain significance for Hereditary cancer-predisposing syndrome. Last evaluated: 2025-02-09. Review status: criteria provided, single submitter. Criteria: Ambry Variant Classification Scheme 2023. Collection method: clinical testing. Allele origin: germline.
Comment: The p.S220I variant (also known as c.659G>T), located in coding exon 4 of the RET gene, results from a G to T substitution at nucleotide position 659. The serine at codon 220 is replaced by isoleucine, an amino acid with dissimilar properties. This amino acid position is conserved. In addition, this alteration is predicted to be tolerated by in silico analysis. Since supporting evidence is limited at this time, the clinical significance of this alteration remains unclear.

Labcorp Genetics (formerly Invitae), Labcorp
Classification: Uncertain significance for Multiple endocrine neoplasia, type 2. Last evaluated: 2021-07-03. Review status: criteria provided, single submitter. Criteria: Invitae Variant Classification Sherloc (09022015). Collection method: clinical testing. Allele origin: germline.
Comment: This sequence change replaces serine with isoleucine at codon 220 of the RET protein (p.Ser220Ile). The serine residue is weakly conserved and there is a large physicochemical difference between serine and isoleucine. This variant is not present in population databases (ExAC no frequency). This variant has not been reported in the literature in individuals affected with RET-related conditions. Algorithms developed to predict the effect of missense changes on protein structure and function (SIFT, PolyPhen-2, Align-GVGD) all suggest that this variant is likely to be tolerated. In summary, the available evidence is currently insufficient to determine the role of this variant in disease. Therefore, it has been classified as a Variant of Uncertain Significance.

NM_020975.6(RET):c.659G>T (p.Ser220Ile)

Gene: RET (ret proto-oncogene; plus strand). Cytogenetic location: 10q11.21.
Variant type: single nucleotide variant.
Coding change: c.659G>T on transcript NM_020975.6 (MANE Select); coding-DNA position 659, G replaced by T.
Protein change: p.Ser220Ile; replaces serine 220 with isoleucine.
Molecular consequence: missense variant.
Genome position (GRCh38, 1-based): chr10:43,104,985, G>T. VCF-style: chr10-43104985-G-T. GRCh37 (hg19) VCF-style: chr10-43600433-G-T.
Other names: c.659G>T, p.Ser220Ile (NM_000323.2, NM_001406743.1, NM_001406744.1 and 8 more transcripts); c.-104G>T (NM_001355216.2); c.530G>T, p.Ser177Ile (NM_001406761.1, NM_001406762.1, NM_001406764.1 and 2 more transcripts); c.371G>T, p.Ser124Ile (NM_001406766.1, NM_001406767.1, NM_001406770.1); short protein forms S220I, S124I, S177I.
Identifiers: ClinVar variation 1382106 (VCV001382106.12), dbSNP rs1182941467, ClinGen allele CA376544413.